The following is an entry in ClinVar:

ClinVar aggregate classification (germline): Uncertain significance (1 of 4 stars; one submission).

Allele frequency attached by ClinVar (database versions not stated): gnomAD exomes below 0.00001; gnomAD 0.00001.
gnomAD v4.1: 2 of 1,613,448 alleles (0.00012%); highest among the groups gnomAD compares: Non-Finnish European, 0.00017%; no homozygotes.

Submission:

Labcorp Genetics (formerly Invitae), Labcorp
Classification: Uncertain significance. Last evaluated: 2023-08-17. Review status: criteria provided, single submitter. Criteria: Invitae Variant Classification Sherloc (09022015). Collection method: clinical testing. Allele origin: germline.
Comment: This variant is not present in population databases (gnomAD no frequency). This variant has not been reported in the literature in individuals affected with FLNB-related conditions. Advanced modeling of protein sequence and biophysical properties (such as structural, functional, and spatial information, amino acid conservation, physicochemical variation, residue mobility, and thermodynamic stability) performed at Invitae indicates that this missense variant is not expected to disrupt FLNB protein function. In summary, the available evidence is currently insufficient to determine the role of this variant in disease. Therefore, it has been classified as a Variant of Uncertain Significance. This sequence change replaces threonine, which is neutral and polar, with isoleucine, which is neutral and non-polar, at codon 911 of the FLNB protein (p.Thr911Ile).

NM_001457.4(FLNB):c.2732C>T (p.Thr911Ile)

Gene: FLNB (filamin B; plus strand). Cytogenetic location: 3p14.3.
Variant type: single nucleotide variant.
Coding change: c.2732C>T on transcript NM_001457.4 (MANE Select); coding-DNA position 2732, C replaced by T.
Protein change: p.Thr911Ile; replaces threonine 911 with isoleucine.
Molecular consequence: missense variant.
Genome position (GRCh38, 1-based): chr3:58,112,305, C>T. VCF-style: chr3-58112305-C-T. GRCh37 (hg19) VCF-style: chr3-58098032-C-T.
Other names: c.2732C>T, p.Thr911Ile (NM_001164317.2, NM_001164318.2, NM_001164319.2); short protein forms T911I.
Identifiers: ClinVar variation 3017729 (VCV003017729.3), dbSNP rs868273443, ClinGen allele CA75437552.